The following is an entry in ClinVar:

NM_000088.4(COL1A1):c.2254G>T (p.Gly752Cys)

Gene: COL1A1 (collagen type I alpha 1 chain; minus strand). Cytogenetic location: 17q21.33.
Variant type: single nucleotide variant.
Coding change: c.2254G>T on transcript NM_000088.4 (MANE Select); coding-DNA position 2254, G replaced by T.
Protein change: p.Gly752Cys; replaces glycine 752 with cysteine.
Molecular consequence: missense variant.
Genome position (GRCh38, 1-based): chr17:50,190,906, C>A on the plus strand (G>T on the coding strand, the complement: COL1A1 is on the minus strand). VCF-style: chr17-50190906-C-A. GRCh37 (hg19) VCF-style: chr17-48268267-C-A.
Other names: short protein forms G752C.
Identifiers: ClinVar variation 4530647 (VCV004530647.1).
Genomic context (GRCh38, chr17:50,190,906, plus strand): 5'-GAGGACCAATGGGGCCAGTCAGACCACGGACGCCATCTTTGCCAGGAGAGCCATCAGCAC[C>A]TTTGGGACCAGCATCACCCTAAAGACATGGATAAGCTTGAGATTTCCAGTGTGGGGCAAG-3'
Protein context (NP_000079.2, residues 742-762): KGDRGDAGPK[Gly752Cys]ADGSPGKDGV

ClinVar aggregate classification (germline): Likely pathogenic (0 of 4 stars; one submission).

Conditions:
Osteogenesis imperfecta type I (OI1). Also called: Lobstein's Disease; Lobstein disease; Classic Non-deforming Osteogenesis Imperfecta with Blue Sclerae; OI, TYPE I; OSTEOGENESIS IMPERFECTA TARDA; OSTEOGENESIS IMPERFECTA WITH BLUE SCLERAE. Identifiers: Orphanet 216796, Orphanet 666, MedGen C0023931, MONDO:0008146, OMIM 166200. Disease mechanism: loss of function.

Submission:

Diagnostics Centre, Carl Von Ossietzky University Oldenburg
Classification: Likely pathogenic for Osteogenesis imperfecta type I. Last evaluated: 2025-06-11. Review status: no assertion criteria provided. Collection method: clinical testing. Allele origin: germline. Affected: yes. Observed: 1 variant allele.
Comment: The variant COL1A1:c.2254G>T p.(Gly752Cys) which is located in the coding exon 33 of the COL1A1 gene, results from a guanine to thymine substitution at nucleotide position c.2254. The glycine residue at protein position 752 is replaced by a cysteine. In silico tools predict a severe deleterious effect in the protein structure/function (REVEL = 0.97). Missense variants in this gene or the affected region are a known disease mechanism and are rare in the general population. The affected protein region has significant levels of missense constrain. This variant has not yet been described in ClinVar or any other scientific publication known to us. The variant is classified as very rare since it is absent in gnomAD v4.1.0. In summary, this variant is classified as likely pathogenic.